The following is an entry in ClinVar:

NM_000051.4(ATM):c.8101dup (p.Ile2701fs)

Genes: ATM (ATM serine/threonine kinase; plus strand), C11orf65 (chromosome 11 open reading frame 65; minus strand). Cytogenetic location: 11q22.3.
Variant type: Duplication.
Coding change: c.8101dup on transcript NM_000051.4 (MANE Select); coding-DNA position 8101, one base duplicated (A; older notation c.8101dupA).
Protein change: p.Ile2701fs; shifts the reading frame from isoleucine 2701.
Molecular consequence: frameshift variant. On other transcripts: intron variant (2).
Genome position (GRCh38, 1-based): chr11:108,335,059, A duplicated; the last of 5 consecutive A bases (chr11:108,335,055-108,335,059); duplicating any one gives the same sequence. VCF-style (leftmost placement, unchanged base first): chr11-108335054-C-CA. GRCh37 (hg19) VCF-style: chr11-108205781-C-CA.
Other names: c.8101dupA (NM_000051.3); c.8101dup, p.Ile2701fs (NM_001351834.2); c.641-25984dup (NM_001330368.2); c.*38+165dup (NM_001351110.2); short protein forms I2701fs.
Identifiers: ClinVar variation 1332422 (VCV001332422.6), dbSNP rs2086682689, ClinGen allele CA2573053416.

ClinVar aggregate classification (germline): Pathogenic. Review status: criteria provided, multiple submitters, no conflicts (2 of 4 stars). 3 submissions from 3 submitters: Pathogenic (3). Last evaluated 2024-11-08.

Conditions:
Hereditary cancer-predisposing syndrome. Also called: Tumor predisposition; Neoplastic Syndromes, Hereditary; Hereditary Cancer Syndrome; Hereditary neoplastic syndrome. Identifiers: Orphanet 140162, MedGen C0027672, MeSH D009386, MONDO:0015356.
Familial cancer of breast. Also called: BREAST CANCER, FAMILIAL; Hereditary breast cancer; hereditary breast carcinoma. Identifiers: Orphanet 227535, MedGen C0346153, MONDO:0016419, OMIM 114480. Disease mechanism: loss of function.

Submissions (3):

Ambry Genetics
Classification: Pathogenic for Hereditary cancer-predisposing syndrome. Last evaluated: 2024-11-08. Review status: criteria provided, single submitter. Criteria: Ambry Variant Classification Scheme 2023. Collection method: clinical testing. Allele origin: germline.
Comment: The c.8101dupA pathogenic mutation, located in coding exon 54 of the ATM gene, results from a duplication of A at nucleotide position 8101, causing a translational frameshift with a predicted alternate stop codon (p.I2701Nfs*17). This variant is considered to be rare based on population cohorts in the Genome Aggregation Database (gnomAD). This alteration is expected to result in loss of function by premature protein truncation or nonsense-mediated mRNA decay. As such, this alteration is interpreted as a disease-causing mutation.

Myriad Genetics, Inc.
Classification: Pathogenic for Familial cancer of breast. Last evaluated: 2023-06-21. Review status: criteria provided, single submitter. Criteria: Myriad Autosomal Dominant, Autosomal Recessive and X-Linked Classification Criteria (2023). Collection method: clinical testing. Allele origin: unknown.
Comment: This variant is considered pathogenic. This variant creates a frameshift predicted to result in premature protein truncation.

Color Diagnostics, LLC DBA Color Health
Classification: Pathogenic for Hereditary cancer-predisposing syndrome. Last evaluated: 2021-04-05. Review status: criteria provided, single submitter. Criteria: ACMG Guidelines, 2015. Collection method: clinical testing. Allele origin: germline.
Comment: This variant inserts 1 nucleotide in exon 55 of the ATM gene, creating a frameshift and premature translation stop signal. This variant is expected to result in an absent or non-functional protein product. To our knowledge, this variant has not been reported in individuals affected with hereditary cancer in the literature. This variant has not been identified in the general population by the Genome Aggregation Database (gnomAD). Loss of ATM function is a known mechanism of disease. Based on the available evidence, this variant is classified as Pathogenic.